The following is an entry in ClinVar:

ClinVar aggregate classification (germline): Uncertain significance (1 of 4 stars; one submission).

Conditions:
Lymphoproliferative syndrome 1 (LPFS1). Identifiers: Orphanet 238505, Orphanet 538963, MedGen C3552634, MONDO:0013081, OMIM 613011.

Submission:

Labcorp Genetics (formerly Invitae), Labcorp
Classification: Uncertain significance for Lymphoproliferative syndrome 1. Last evaluated: 2022-07-05. Review status: criteria provided, single submitter. Criteria: Invitae Variant Classification Sherloc (09022015). Collection method: clinical testing. Allele origin: germline.
Comment: This variant has not been reported in the literature in individuals affected with ITK-related conditions. Advanced modeling of protein sequence and biophysical properties (such as structural, functional, and spatial information, amino acid conservation, physicochemical variation, residue mobility, and thermodynamic stability) performed at Invitae indicates that this missense variant is not expected to disrupt ITK protein function. In summary, the available evidence is currently insufficient to determine the role of this variant in disease. Therefore, it has been classified as a Variant of Uncertain Significance. This variant is not present in population databases (gnomAD no frequency). This sequence change replaces asparagine, which is neutral and polar, with threonine, which is neutral and polar, at codon 164 of the ITK protein (p.Asn164Thr).

NM_005546.4(ITK):c.491A>C (p.Asn164Thr)

Gene: ITK (IL2 inducible T cell kinase; plus strand). Cytogenetic location: 5q33.3.
Variant type: single nucleotide variant.
Coding change: c.491A>C on transcript NM_005546.4 (MANE Select); coding-DNA position 491, A replaced by C.
Protein change: p.Asn164Thr; replaces asparagine 164 with threonine.
Molecular consequence: missense variant.
Genome position (GRCh38, 1-based): chr5:157,217,903, A>C. VCF-style: chr5-157217903-A-C. GRCh37 (hg19) VCF-style: chr5-156644913-A-C.
Other names: short protein forms N164T.
Identifiers: ClinVar variation 1938576 (VCV001938576.5), dbSNP rs2480564459, ClinGen allele CA361951667.